The following is an entry in ClinVar:

NM_206933.4(USH2A):c.12614T>C (p.Ile4205Thr)

Gene: USH2A (usherin; minus strand). Cytogenetic location: 1q41.
Variant type: single nucleotide variant.
Coding change: c.12614T>C on transcript NM_206933.4 (MANE Select); coding-DNA position 12614, T replaced by C.
Protein change: p.Ile4205Thr; replaces isoleucine 4205 with threonine.
Molecular consequence: missense variant.
Genome position (GRCh38, 1-based): chr1:215,675,297, A>G on the plus strand (T>C on the coding strand, the complement: USH2A is on the minus strand). VCF-style: chr1-215675297-A-G. GRCh37 (hg19) VCF-style: chr1-215848639-A-G.
Other names: short protein forms I4205T.
Identifiers: ClinVar variation 2010373 (VCV002010373.4), dbSNP rs2464899474, ClinGen allele CA344850401.

ClinVar aggregate classification (germline): Uncertain significance (1 of 4 stars; one submission).

Submission:

Labcorp Genetics (formerly Invitae), Labcorp
Classification: Uncertain significance. Last evaluated: 2024-02-12. Review status: criteria provided, single submitter. Criteria: Invitae Variant Classification Sherloc (09022015). Collection method: clinical testing. Allele origin: germline.
Comment: This sequence change replaces isoleucine, which is neutral and non-polar, with threonine, which is neutral and polar, at codon 4205 of the USH2A protein (p.Ile4205Thr). This variant is not present in population databases (gnomAD no frequency). This variant has not been reported in the literature in individuals affected with USH2A-related conditions. ClinVar contains an entry for this variant (Variation ID: 2010373). Advanced modeling of protein sequence and biophysical properties (such as structural, functional, and spatial information, amino acid conservation, physicochemical variation, residue mobility, and thermodynamic stability) performed at Invitae indicates that this missense variant is not expected to disrupt USH2A protein function with a negative predictive value of 95%. In summary, the available evidence is currently insufficient to determine the role of this variant in disease. Therefore, it has been classified as a Variant of Uncertain Significance.